The following is an entry in ClinVar:

NM_024598.4(USB1):c.719C>T (p.Ala240Val)

Gene: USB1 (U6 snRNA biogenesis phosphodiesterase 1; plus strand). Cytogenetic location: 16q21.
Variant type: single nucleotide variant.
Coding change: c.719C>T on transcript NM_024598.4 (MANE Select); coding-DNA position 719, C replaced by T.
Protein change: p.Ala240Val; replaces alanine 240 with valine.
Molecular consequence: missense variant.
Genome position (GRCh38, 1-based): chr16:58,020,166, C>T. VCF-style: chr16-58020166-C-T. GRCh37 (hg19) VCF-style: chr16-58054070-C-T.
Other names: c.665C>T, p.Ala222Val (NM_001195302.2); c.566C>T, p.Ala189Val (NM_001330568.2); short protein forms A189V, A222V, A240V.
Identifiers: ClinVar variation 4866376 (VCV004866376.1).

ClinVar aggregate classification (germline): Uncertain significance (1 of 4 stars; one submission).

Conditions:
Inborn genetic diseases. Identifiers: MedGen C0950123, MeSH D030342.

Submission:

Ambry Genetics
Classification: Uncertain significance for Inborn genetic diseases. Last evaluated: 2026-06-12. Review status: criteria provided, single submitter. Criteria: Ambry Variant Classification Scheme 2023. Collection method: clinical testing. Allele origin: germline.
Comment: The p.A240V variant (also known as c.719C>T), located in coding exon 7 of the USB1 gene, results from a C to T substitution at nucleotide position 719. The alanine at codon 240 is replaced by valine, an amino acid with similar properties. This amino acid position is conserved. In addition, this alteration is predicted to be tolerated by in silico analysis. Based on the available evidence, the clinical significance of this variant remains unclear.